The following is an entry in ClinVar:

NM_015338.6(ASXL1):c.1225A>G (p.Lys409Glu)

Gene: ASXL1 (ASXL transcriptional regulator 1; plus strand). Cytogenetic location: 20q11.21.
Variant type: single nucleotide variant.
Coding change: c.1225A>G on transcript NM_015338.6 (MANE Select); coding-DNA position 1225, A replaced by G.
Protein change: p.Lys409Glu; replaces lysine 409 with glutamic acid.
Molecular consequence: missense variant.
Genome position (GRCh38, 1-based): chr20:32,433,423, A>G. VCF-style: chr20-32433423-A-G. GRCh37 (hg19) VCF-style: chr20-31021226-A-G.
Other names: c.1042A>G, p.Lys348Glu (NM_001363734.1); short protein forms K348E, K409E.
Identifiers: ClinVar variation 1030494 (VCV001030494.1), dbSNP rs2011593291, ClinGen allele CA408556124.
Genomic context (GRCh38, chr20:32,433,423, plus strand): 5'-CCAGGAGAATCAGTGCGTATACAGCGTGGTCCAGCCACCCGACAGCGAGATGGGCATTTT[A>G]AGAAACGCTCTCGGCCAGATCTCCGAACCAGAGCCAGAAGGAATCTGTACAAAAAACAGG-3'
Protein context (NP_056153.2, residues 399-419): PATRQRDGHF[Lys409Glu]KRSRPDLRTR

ClinVar aggregate classification (germline): Uncertain significance (1 of 4 stars; one submission).

Conditions:
Bohring-Opitz syndrome. Also called: C-LIKE SYNDROME; BOHRING SYNDROME; OPITZ TRIGONOCEPHALY-LIKE SYNDROME; ASXL1-Related Bohring-Opitz Syndrome. Identifiers: Orphanet 97297, MedGen C0796232, MONDO:0011510, OMIM 605039.

Submission:

Baylor Genetics
Classification: Uncertain significance for Bohring-Opitz syndrome. Last evaluated: 2020-03-19. Review status: criteria provided, single submitter. Criteria: ACMG Guidelines, 2015. Collection method: clinical testing. Allele origin: unknown. Affected: yes.
Comment: This variant was determined to be of uncertain significance according to ACMG Guidelines, 2015 [PMID:25741868].